The following is an entry in ClinVar:

NM_133259.4(LRPPRC):c.2504+17T>C

Gene: LRPPRC (leucine rich pentatricopeptide repeat containing; minus strand). Cytogenetic location: 2p21.
Variant type: single nucleotide variant.
Coding change: c.2504+17T>C on transcript NM_133259.4 (MANE Select); 17 bases into the intron after coding-DNA position 2504, T replaced by C.
Molecular consequence: intron variant.
Genome position (GRCh38, 1-based): chr2:43,943,670, A>G on the plus strand (T>C on the coding strand, the complement: LRPPRC is on the minus strand). VCF-style: chr2-43943670-A-G. GRCh37 (hg19) VCF-style: chr2-44170809-A-G.
Identifiers: ClinVar variation 388883 (VCV000388883.1), dbSNP rs1057523262, ClinGen allele CA16604204.

ClinVar aggregate classification (germline): Likely benign (1 of 4 stars; one submission).

Submission:

GeneDx
Classification: Likely benign. Last evaluated: 2016-09-08. Review status: criteria provided, single submitter. Criteria: GeneDx Variant Classification (06012015). Collection method: clinical testing. Allele origin: germline. Affected: yes.
Comment: This variant is considered likely benign or benign based on one or more of the following criteria: it is a conservative change, it occurs at a poorly conserved position in the protein, it is predicted to be benign by multiple in silico algorithms, and/or has population frequency not consistent with disease.